The following is an entry in ClinVar:

NM_003738.5(PTCH2):c.2339C>T (p.Thr780Ile)

Gene: PTCH2 (patched 2; minus strand). Cytogenetic location: 1p34.1.
Variant type: single nucleotide variant.
Coding change: c.2339C>T on transcript NM_003738.5 (MANE Select); coding-DNA position 2339, C replaced by T.
Protein change: p.Thr780Ile; replaces threonine 780 with isoleucine.
Molecular consequence: missense variant.
Genome position (GRCh38, 1-based): chr1:44,827,434, G>A on the plus strand (C>T on the coding strand, the complement: PTCH2 is on the minus strand). VCF-style: chr1-44827434-G-A. GRCh37 (hg19) VCF-style: chr1-45293106-G-A.
Other names: c.2339C>T, p.Thr780Ile (NM_001166292.2); short protein forms T780I.
Identifiers: ClinVar variation 3584491 (VCV003584491.3).

ClinVar aggregate classification (germline): Uncertain significance. Review status: criteria provided, multiple submitters, no conflicts (2 of 4 stars). 2 submissions from 2 submitters: Uncertain significance (2). Last evaluated 2024-03-07.

Conditions:
Basal cell carcinoma, susceptibility to, 1. Also called: BCC1. Identifiers: MedGen C2751544, MONDO:0011556, OMIM 605462.
Medulloblastoma (MDB). Also called: Medulloblastoma, somatic; MEDULLOBLASTOMA PREDISPOSITION SYNDROME. Identifiers: Orphanet 616, MedGen C0025149, MeSH D008527, MONDO:0007959, OMIM 155255, HP:0002885.
Gorlin syndrome. Also called: Nevoid Basal Cell Carcinoma Syndrome; Basal cell nevus syndrome. Identifiers: Orphanet 377, MedGen C0004779, MONDO:0007187.

Submissions (2):

Fulgent Genetics
Classification: Uncertain significance for Medulloblastoma; Basal cell carcinoma, susceptibility to, 1. Last evaluated: 2024-03-07. Review status: criteria provided, single submitter. Criteria: ACMG Guidelines, 2015. Collection method: clinical testing. Allele origin: germline.

Labcorp Genetics (formerly Invitae), Labcorp
Classification: Uncertain significance for Gorlin syndrome. Last evaluated: 2024-02-15. Review status: criteria provided, single submitter. Criteria: Invitae Variant Classification Sherloc (09022015). Collection method: clinical testing. Allele origin: germline.
Comment: This sequence change replaces threonine, which is neutral and polar, with isoleucine, which is neutral and non-polar, at codon 780 of the PTCH2 protein (p.Thr780Ile). This variant is not present in population databases (gnomAD no frequency). This variant has not been reported in the literature in individuals affected with PTCH2-related conditions. Advanced modeling of protein sequence and biophysical properties (such as structural, functional, and spatial information, amino acid conservation, physicochemical variation, residue mobility, and thermodynamic stability) performed at Invitae indicates that this missense variant is not expected to disrupt PTCH2 protein function with a negative predictive value of 80%. In summary, the available evidence is currently insufficient to determine the role of this variant in disease. Therefore, it has been classified as a Variant of Uncertain Significance.